The following is an entry in ClinVar:

ClinVar aggregate classification (germline): Conflicting classifications of pathogenicity. Review status: criteria provided, conflicting classifications (1 of 4 stars). 2 submissions from 2 submitters: Pathogenic (1); Uncertain significance (1). Last evaluated 2022-07-09.

Submissions (2):

Labcorp Genetics (formerly Invitae), Labcorp
Classification: Pathogenic. Last evaluated: 2022-07-09. Review status: criteria provided, single submitter. Criteria: Invitae Variant Classification Sherloc (09022015). Collection method: clinical testing. Allele origin: germline.
Comment: Variants that disrupt the consensus splice site are a relatively common cause of aberrant splicing (PMID: 17576681, 9536098). Algorithms developed to predict the effect of sequence changes on RNA splicing suggest that this variant may disrupt the consensus splice site. For these reasons, this variant has been classified as Pathogenic. ClinVar contains an entry for this variant (Variation ID: 1313093). This variant has been observed in individual(s) with clinical features of Stickler syndrome (Invitae). In at least one individual the variant was observed to be de novo. This variant is not present in population databases (gnomAD no frequency). This sequence change falls in intron 4 of the COL2A1 gene. It does not directly change the encoded amino acid sequence of the COL2A1 protein. It affects a nucleotide within the consensus splice site.

GeneDx
Classification: Uncertain significance. Last evaluated: 2020-07-13. Review status: criteria provided, single submitter. Criteria: GeneDx Variant Classification Process June 2021. Collection method: clinical testing. Allele origin: germline. Affected: yes.
Comment: Has not been previously published as pathogenic or benign to our knowledge; Not observed in large population cohorts (Lek et al., 2016); Intronic +5 splice site variant in a gene for which loss-of-function is a known mechanism of disease, and both splice predictors and evolutionary conservation support a deleterious effect, although in the absence of functional evidence the actual effect of this sequence change is unknown.

Literature cited by the submitters: PubMed 17576681 (cited by Labcorp Genetics (formerly Invitae), Labcorp); PubMed 9536098 (cited by Labcorp Genetics (formerly Invitae), Labcorp).

NM_001844.5(COL2A1):c.342+5G>A

Gene: COL2A1 (collagen type II alpha 1 chain; minus strand). Cytogenetic location: 12q13.11.
Variant type: single nucleotide variant.
Coding change: c.342+5G>A on transcript NM_001844.5 (MANE Select); 5 bases into the intron after coding-DNA position 342, G replaced by A.
Molecular consequence: intron variant.
Genome position (GRCh38, 1-based): chr12:47,998,164, C>T on the plus strand (G>A on the coding strand, the complement: COL2A1 is on the minus strand). VCF-style: chr12-47998164-C-T. GRCh37 (hg19) VCF-style: chr12-48391947-C-T.
Other names: c.135+5G>A (NM_033150.3).
Identifiers: ClinVar variation 1313093 (VCV001313093.6), dbSNP rs2136629166, ClinGen allele CA2573053665.